The following is an entry in ClinVar:

ClinVar aggregate classification (germline): Likely benign (1 of 4 stars; one submission).

Allele frequency attached by ClinVar (database versions not stated): gnomAD exomes 0.00070; gnomAD 0.00580 and 0.00625; 1000 Genomes Project 0.00639; TOPMed 0.00709; 1000 Genomes Project 30x 0.00734.
gnomAD v4.1: 1,200 of 583,432 alleles (0.21%); highest among the groups gnomAD compares: African/African-American, 1.8%; 11 homozygotes.

Submission:

GeneDx
Classification: Likely benign. Last evaluated: 2018-06-16. Review status: criteria provided, single submitter. Criteria: GeneDx Variant Classification (06012015). Collection method: clinical testing. Allele origin: germline. Affected: yes.
Comment: This variant is considered likely benign or benign based on one or more of the following criteria: it is a conservative change, it occurs at a poorly conserved position in the protein, it is predicted to be benign by multiple in silico algorithms, and/or has population frequency not consistent with disease.

NM_006258.4(PRKG1):c.592+174A>C

Gene: PRKG1 (protein kinase cGMP-dependent 1; plus strand). Cytogenetic location: 10q21.1.
Variant type: single nucleotide variant.
Coding change: c.592+174A>C on transcript NM_006258.4 (MANE Select); 174 bases into the intron after coding-DNA position 592, A replaced by C.
Molecular consequence: intron variant.
Genome position (GRCh38, 1-based): chr10:51,468,010, A>C. VCF-style: chr10-51468010-A-C. GRCh37 (hg19) VCF-style: chr10-53227770-A-C.
Other names: c.547+174A>C (NM_001098512.3).
Identifiers: ClinVar variation 678630 (VCV000678630.1), dbSNP rs190288401, ClinGen allele CA207240126.